The following is an entry in ClinVar:

NM_194248.3(OTOF):c.2215-16C>T

Gene: OTOF (otoferlin; minus strand). Cytogenetic location: 2p23.3.
Variant type: single nucleotide variant.
Coding change: c.2215-16C>T on transcript NM_194248.3 (MANE Select); 16 bases into the intron before coding-DNA position 2215, C replaced by T.
Molecular consequence: intron variant. On other transcripts: synonymous variant (1).
Genome position (GRCh38, 1-based): chr2:26,477,765, G>A on the plus strand (C>T on the coding strand, the complement: OTOF is on the minus strand). VCF-style: chr2-26477765-G-A. GRCh37 (hg19) VCF-style: chr2-26700633-G-A.
Other names: c.129C>T, p.His43= (NM_194322.3); c.2215-16C>T (NM_001287489.2); c.-27-16C>T (NM_194323.3, NM_004802.4).
Identifiers: ClinVar variation 517544 (VCV000517544.5), dbSNP rs752279476, ClinGen allele CA1564005.

ClinVar aggregate classification (germline): Likely benign (1 of 4 stars; one submission).

Allele frequency attached by ClinVar (database versions not stated): gnomAD exomes below 0.00001; ExAC 0.00001.

Submission:

Laboratory for Molecular Medicine, Mass General Brigham Personalized Medicine
Classification: Likely benign. Last evaluated: 2017-08-23. Review status: criteria provided, single submitter. Criteria: LMM Criteria. Collection method: clinical testing. Allele origin: germline. Observed: 1 variant allele.
Comment: p.His43His in exon 1 of OTOF: This variant is not expected to have clinical sign ificance because it does not alter an amino acid residue and is not located with in the splice consensus sequence. It has been identified in 1/59748 European chr omosomes by the Exome Aggregation Consortium (ExAC, rg; dbSNP rs752279476).